The following is an entry in ClinVar:

NM_000127.3(EXT1):c.1065C>A (p.Cys355Ter)

Gene: EXT1 (exostosin glycosyltransferase 1; minus strand). Cytogenetic location: 8q24.11.
Variant type: single nucleotide variant.
Coding change: c.1065C>A on transcript NM_000127.3 (MANE Select); coding-DNA position 1065, C replaced by A.
Protein change: p.Cys355Ter; replaces cysteine 355 with a stop codon.
Molecular consequence: nonsense.
Genome position (GRCh38, 1-based): chr8:117,835,543, G>T on the plus strand (C>A on the coding strand, the complement: EXT1 is on the minus strand). VCF-style: chr8-117835543-G-T. GRCh37 (hg19) VCF-style: chr8-118847782-G-T.
Other names: short protein forms C355*.
Identifiers: ClinVar variation 570990 (VCV000570990.7), dbSNP rs11546829, ClinGen allele CA371892751.
Genomic context (GRCh38, chr8:117,835,543, plus strand): 5'-GTTCCAATTAATCACTTCAGAGAATGGCAACTCCCATCCATTGCTGAGCATCACAGGGAC[G>T]CAGGCAGCCTGAGCAAAAAAGGGGACTTCGTGAATGTGAGGAAAGCGACAGCAGAAGCTG-3'

ClinVar aggregate classification (germline): Pathogenic (1 of 4 stars; one submission).

Conditions:
Multiple congenital exostosis (EXT). Also called: Multiple exostoses; Hereditary multiple exostoses; Hereditary multiple exostosis; Hereditary multiple osteochondromas; MULTIPLE CARTILAGINOUS EXOSTOSES; Multiple osteochondromas. Identifiers: Orphanet 321, MedGen C0015306, MONDO:0005508, HP:0002762.

Submission:

Labcorp Genetics (formerly Invitae), Labcorp
Classification: Pathogenic for Multiple congenital exostosis. Last evaluated: 2018-04-14. Review status: criteria provided, single submitter. Criteria: Invitae Variant Classification Sherloc (09022015). Collection method: clinical testing. Allele origin: germline.
Comment: For these reasons, this variant has been classified as Pathogenic. Loss-of-function variants in EXT1 are known to be pathogenic (PMID: 10679937, 11391482, 19810120). This variant has not been reported in the literature in individuals with EXT1-related disease. This variant is not present in population databases (ExAC no frequency). This sequence change creates a premature translational stop signal (p.Cys355*) in the EXT1 gene. It is expected to result in an absent or disrupted protein product.

Literature cited by the submitters: PubMed 10679937; PubMed 11391482; PubMed 19810120.